The following is an entry in ClinVar:

NM_013275.6(ANKRD11):c.3084C>G (p.Tyr1028Ter)

Gene: ANKRD11 (ankyrin repeat domain containing 11; minus strand). Cytogenetic location: 16q24.3.
Variant type: single nucleotide variant.
Coding change: c.3084C>G on transcript NM_013275.6 (MANE Select); coding-DNA position 3084, C replaced by G.
Protein change: p.Tyr1028Ter; replaces tyrosine 1028 with a stop codon.
Molecular consequence: nonsense.
Genome position (GRCh38, 1-based): chr16:89,283,458, G>C on the plus strand (C>G on the coding strand, the complement: ANKRD11 is on the minus strand). VCF-style: chr16-89283458-G-C. GRCh37 (hg19) VCF-style: chr16-89349866-G-C.
Other names: c.3084C>G, p.Tyr1028Ter (NM_001256182.2, NM_001256183.2); short protein forms Y1028*.
Identifiers: ClinVar variation 1683893 (VCV001683893.2), dbSNP rs1064793539, ClinGen allele CA397160636.
Genomic context (GRCh38, chr16:89,283,458, plus strand): 5'-CTTCTGACATTTTTCCAGGATTGATTTCTCACTTTTGTCCTTGTCACTGGATTTCTCTTT[G>C]TATCTTTCTGGTTTTGTCTTCTCCTTCCTTTCCTTATCGGGGCCATCCTTCTTCTCCTTC-3'

ClinVar aggregate classification (germline): Pathogenic (1 of 4 stars; one submission).

Submission:

GeneDx
Classification: Pathogenic. Last evaluated: 2022-04-22. Review status: criteria provided, single submitter. Criteria: GeneDx Variant Classification Process June 2021. Collection method: clinical testing. Allele origin: germline. Affected: yes.
Comment: Nonsense variant predicted to result in protein truncation or nonsense mediated decay in a gene for which loss-of-function is a known mechanism of disease; Not observed at significant frequency in large population cohorts (gnomAD); Has not been previously published as pathogenic or benign to our knowledge